The following is an entry in ClinVar:

ClinVar aggregate classification (germline): Uncertain significance. Review status: criteria provided, multiple submitters, no conflicts (2 of 4 stars). 2 submissions from 2 submitters: Uncertain significance (2). Last evaluated 2025-05-11.

Conditions:
Severe early-onset pulmonary alveolar proteinosis due to MARS deficiency. Also called: Interstitial lung and liver disease; PULMONARY ALVEOLAR PROTEINOSIS, REUNION ISLAND. Identifiers: Orphanet 440427, MedGen C4225400, MONDO:0014206, OMIM 615486.
Charcot-Marie-Tooth disease axonal type 2U. Also called: CHARCOT-MARIE-TOOTH NEUROPATHY, TYPE 2U; CHARCOT-MARIE-TOOTH DISEASE, AXONAL, AUTOSOMAL DOMINANT, TYPE 2U. Identifiers: Orphanet 397735, MedGen C4084821, MONDO:0014566, OMIM 616280.

gnomAD v4.1: 5 of 1,613,936 alleles (0.00031%); highest among the groups gnomAD compares: African/African-American, 0.0013%; no homozygotes.

Submissions (2):

Mayo Clinic Laboratories, Mayo Clinic
Classification: Uncertain significance. Last evaluated: 2025-05-11. Review status: criteria provided, single submitter. Criteria: ACMG Guidelines, 2015. Collection method: clinical testing. Allele origin: germline. Observed: 1 variant allele.
Comment: BP4_moderate

Labcorp Genetics (formerly Invitae), Labcorp
Classification: Uncertain significance for Charcot-Marie-Tooth disease axonal type 2U; Severe early-onset pulmonary alveolar proteinosis due to MARS deficiency. Last evaluated: 2024-10-09. Review status: criteria provided, single submitter. Criteria: Invitae Variant Classification Sherloc (09022015). Collection method: clinical testing. Allele origin: germline.
Comment: This sequence change replaces arginine, which is basic and polar, with tryptophan, which is neutral and slightly polar, at codon 45 of the MARS protein (p.Arg45Trp). This variant is present in population databases (no rsID available, gnomAD 0.0009%). This variant has not been reported in the literature in individuals affected with MARS-related conditions. An algorithm developed to predict the effect of missense changes on protein structure and function (PolyPhen-2) suggests that this variant is likely to be tolerated. In summary, the available evidence is currently insufficient to determine the role of this variant in disease. Therefore, it has been classified as a Variant of Uncertain Significance.

NM_004990.4(MARS1):c.133C>T (p.Arg45Trp)

Gene: MARS1 (methionyl-tRNA synthetase 1; plus strand). Cytogenetic location: 12q13.3.
Variant type: single nucleotide variant.
Coding change: c.133C>T on transcript NM_004990.4 (MANE Select); coding-DNA position 133, C replaced by T.
Protein change: p.Arg45Trp; replaces arginine 45 with tryptophan.
Molecular consequence: missense variant.
Genome position (GRCh38, 1-based): chr12:57,489,042, C>T. VCF-style: chr12-57489042-C-T. GRCh37 (hg19) VCF-style: chr12-57882825-C-T.
Other names: p.Arg45Trp; short protein forms R45W.
Identifiers: ClinVar variation 3752338 (VCV003752338.3).
Genomic context (GRCh38, chr12:57,489,042, plus strand): 5'-TTTTTTTTTTTTAACCCATTTTCCATTCTTGCATCAGATTGTGTGGTCCCGTTCCTGACC[C>T]GGCCTAAGGTCCCTGTCTTGCAGCTGGATAGCGGCAACTACCTCTTCTCCACTAGTGCAA-3'
Protein context (NP_004981.2, residues 35-55): PEDCVVPFLT[Arg45Trp]PKVPVLQLDS